The following is an entry in ClinVar:

ClinVar aggregate classification (germline): Conflicting classifications of pathogenicity. Review status: criteria provided, conflicting classifications (1 of 4 stars). 3 submissions from 3 submitters: Uncertain significance (2); Likely benign (1). Last evaluated 2025-05-16.

Conditions:
Hereditary cancer-predisposing syndrome. Also called: Neoplastic Syndromes, Hereditary; Tumor predisposition; Hereditary neoplastic syndrome; Hereditary Cancer Syndrome. Identifiers: Orphanet 140162, MedGen C0027672, MeSH D009386, MONDO:0015356.
Hereditary breast ovarian cancer syndrome. Also called: Hereditary breast and ovarian cancer syndrome (HBOC); Hereditary breast and ovarian cancer; Hereditary breast and/or ovarian cancer syndrome; Hereditary breast and ovarian cancer syndrome; Breast and ovarian cancer; BRCA1- and BRCA2-Associated Hereditary Breast and Ovarian Cancer. Identifiers: Orphanet 145, MedGen C0677776, MeSH D061325, MONDO:0003582. Disease mechanism: loss of function.

Submissions (3):

Ambry Genetics
Classification: Likely benign for Hereditary cancer-predisposing syndrome. Last evaluated: 2025-05-16. Review status: criteria provided, single submitter. Criteria: Ambry Variant Classification Scheme 2023. Collection method: clinical testing. Allele origin: germline.

Color Diagnostics, LLC DBA Color Health
Classification: Uncertain significance for Hereditary cancer-predisposing syndrome. Last evaluated: 2023-12-05. Review status: criteria provided, single submitter. Criteria: ACMG Guidelines, 2015. Collection method: clinical testing. Allele origin: germline.
Comment: This missense variant replaces lysine with arginine at codon 3179 of the BRCA2 protein. Computational prediction is inconclusive regarding the impact of this variant on protein structure and function (internally defined REVEL score threshold 0.5 < inconclusive < 0.7, PMID: 27666373). To our knowledge, functional studies have not been reported for this variant. This variant has not been reported in individuals affected with BRCA2-related disorders in the literature. This variant has not been identified in the general population by the Genome Aggregation Database (gnomAD). The available evidence is insufficient to determine the role of this variant in disease conclusively. Therefore, this variant is classified as a Variant of Uncertain Significance.

Labcorp Genetics (formerly Invitae), Labcorp
Classification: Uncertain significance for Hereditary breast ovarian cancer syndrome. Last evaluated: 2023-08-10. Review status: criteria provided, single submitter. Criteria: Invitae Variant Classification Sherloc (09022015). Collection method: clinical testing. Allele origin: germline.
Comment: In summary, the available evidence is currently insufficient to determine the role of this variant in disease. Therefore, it has been classified as a Variant of Uncertain Significance. Advanced modeling of protein sequence and biophysical properties (such as structural, functional, and spatial information, amino acid conservation, physicochemical variation, residue mobility, and thermodynamic stability) performed at Invitae indicates that this missense variant is not expected to disrupt BRCA2 protein function. ClinVar contains an entry for this variant (Variation ID: 568572). This variant has not been reported in the literature in individuals affected with BRCA2-related conditions. This variant is not present in population databases (gnomAD no frequency). This sequence change replaces lysine, which is basic and polar, with arginine, which is basic and polar, at codon 3179 of the BRCA2 protein (p.Lys3179Arg).

NM_000059.4(BRCA2):c.9536A>G (p.Lys3179Arg)

Gene: BRCA2 (BRCA2 DNA repair associated; plus strand). Cytogenetic location: 13q13.1.
Variant type: single nucleotide variant.
Coding change: c.9536A>G on transcript NM_000059.4 (MANE Select); coding-DNA position 9536, A replaced by G.
Protein change: p.Lys3179Arg; replaces lysine 3179 with arginine.
Molecular consequence: missense variant.
Genome position (GRCh38, 1-based): chr13:32,396,932, A>G. VCF-style: chr13-32396932-A-G. GRCh37 (hg19) VCF-style: chr13-32971069-A-G.
Other names: short protein forms K3179R.
Identifiers: ClinVar variation 568572 (VCV000568572.14), dbSNP rs1566260108, ClinGen allele CA387763088.